The following is an entry in ClinVar:

ClinVar aggregate classification (germline): Likely pathogenic (1 of 4 stars; one submission).

Allele frequency attached by ClinVar (database versions not stated): gnomAD exomes below 0.00001.
gnomAD v4.1: 1 of 1,614,074 alleles (0.000062%); highest among the groups gnomAD compares: African/African-American, 0.0013%; no homozygotes.

Submission:

Labcorp Genetics (formerly Invitae), Labcorp
Classification: Likely pathogenic. Last evaluated: 2023-12-10. Review status: criteria provided, single submitter. Criteria: Invitae Variant Classification Sherloc (09022015). Collection method: clinical testing. Allele origin: germline.
Comment: This sequence change replaces proline, which is neutral and non-polar, with serine, which is neutral and polar, at codon 775 of the ABCA4 protein (p.Pro775Ser). This variant is not present in population databases (gnomAD no frequency). This variant has not been reported in the literature in individuals affected with ABCA4-related conditions. Advanced modeling of protein sequence and biophysical properties (such as structural, functional, and spatial information, amino acid conservation, physicochemical variation, residue mobility, and thermodynamic stability) performed at Invitae indicates that this missense variant is expected to disrupt ABCA4 protein function with a positive predictive value of 95%. This variant disrupts the p.Pro775 amino acid residue in ABCA4. Other variant(s) that disrupt this residue have been determined to be pathogenic (Invitae). This suggests that this residue is clinically significant, and that variants that disrupt this residue are likely to be disease-causing. In summary, the currently available evidence indicates that the variant is pathogenic, but additional data are needed to prove that conclusively. Therefore, this variant has been classified as Likely Pathogenic.

NM_000350.3(ABCA4):c.2323C>T (p.Pro775Ser)

Gene: ABCA4 (ATP binding cassette subfamily A member 4; minus strand). Cytogenetic location: 1p22.1.
Variant type: single nucleotide variant.
Coding change: c.2323C>T on transcript NM_000350.3 (MANE Select); coding-DNA position 2323, C replaced by T.
Protein change: p.Pro775Ser; replaces proline 775 with serine.
Molecular consequence: missense variant.
Genome position (GRCh38, 1-based): chr1:94,056,660, G>A on the plus strand (C>T on the coding strand, the complement: ABCA4 is on the minus strand). VCF-style: chr1-94056660-G-A. GRCh37 (hg19) VCF-style: chr1-94522216-G-A.
Other names: short protein forms P775S.
Identifiers: ClinVar variation 2702100 (VCV002702100.3), dbSNP rs2523821851, ClinGen allele CA341277774.